The following is an entry in ClinVar:

NM_021828.5(HPSE2):c.481C>A (p.Gln161Lys)

Gene: HPSE2 (heparanase 2 (inactive); minus strand). Cytogenetic location: 10q24.2.
Variant type: single nucleotide variant.
Coding change: c.481C>A on transcript NM_021828.5 (MANE Select); coding-DNA position 481, C replaced by A.
Protein change: p.Gln161Lys; replaces glutamine 161 with lysine.
Molecular consequence: missense variant. On other transcripts: intron variant (1).
Genome position (GRCh38, 1-based): chr10:99,144,367, G>T on the plus strand (C>A on the coding strand, the complement: HPSE2 is on the minus strand). VCF-style: chr10-99144367-G-T. GRCh37 (hg19) VCF-style: chr10-100904124-G-T.
Other names: c.481C>A, p.Gln161Lys (NM_001166244.1, NM_001166246.1); c.448+87981C>A (NM_001166245.1); short protein forms Q161K.
Identifiers: ClinVar variation 2055685 (VCV002055685.3), dbSNP rs574724903, ClinGen allele CA5639987.
Genomic context (GRCh38, chr10:99,144,367, plus strand): 5'-CCTTCTCCCTTTGGAGCTCCAGCATAACATCAGGGTGCTGGGCAATCTTGCAGCCTTTCT[G>T]TTTATCTAAGGCAACATCACTTCGAACAATGTCTACAAAAAGAAAGAAAGAAGGCAGGCA-3'
Protein context (NP_068600.4, residues 151-171): IVRSDVALDK[Gln161Lys]KGCKIAQHPD

ClinVar aggregate classification (germline): Uncertain significance (1 of 4 stars; one submission).

Allele frequency attached by ClinVar (database versions not stated): gnomAD 0.00001; TOPMed 0.00002; ExAC 0.00005; 1000 Genomes Project 30x 0.00016; 1000 Genomes Project 0.00020.
gnomAD v4.1: 41 of 1,613,958 alleles (0.0025%); highest among the groups gnomAD compares: South Asian, 0.018%; no homozygotes.

Submission:

Labcorp Genetics (formerly Invitae), Labcorp
Classification: Uncertain significance. Last evaluated: 2022-09-27. Review status: criteria provided, single submitter. Criteria: Invitae Variant Classification Sherloc (09022015). Collection method: clinical testing. Allele origin: germline.
Comment: This sequence change replaces glutamine, which is neutral and polar, with lysine, which is basic and polar, at codon 161 of the HPSE2 protein (p.Gln161Lys). In summary, the available evidence is currently insufficient to determine the role of this variant in disease. Therefore, it has been classified as a Variant of Uncertain Significance. Algorithms developed to predict the effect of missense changes on protein structure and function are either unavailable or do not agree on the potential impact of this missense change (SIFT: "Deleterious"; PolyPhen-2: "Probably Damaging"; Align-GVGD: "Class C0"). This variant has not been reported in the literature in individuals affected with HPSE2-related conditions. This variant is present in population databases (rs574724903, gnomAD 0.03%).